The following is an entry in ClinVar:

ClinVar aggregate classification (germline): Uncertain significance (1 of 4 stars; one submission).

Allele frequency attached by ClinVar (database versions not stated): TOPMed 0.00001.
gnomAD v4.1: 33 of 1,577,346 alleles (0.0021%); highest among the groups gnomAD compares: Non-Finnish European, 0.00017%; no homozygotes.

Submission:

GeneDx
Classification: Uncertain significance. Last evaluated: 2019-09-11. Review status: criteria provided, single submitter. Criteria: GeneDx Variant Classification Process June 2021. Collection method: clinical testing. Allele origin: germline. Affected: yes.
Comment: Canonical splice site variant in a gene for which loss-of-function is a known mechanism of disease; Has not been previously published as pathogenic or benign to our knowledge

NM_152778.4(MFSD8):c.-75-2A>T

Gene: MFSD8 (major facilitator superfamily domain containing 8; minus strand). Cytogenetic location: 4q28.2.
Variant type: single nucleotide variant.
Coding change: c.-75-2A>T on transcript NM_152778.4; the canonical splice acceptor site of the intron before 75 bases upstream of the start codon, A replaced by T.
Molecular consequence: splice acceptor variant. On other transcripts: intron variant (2).
Genome position (GRCh38, 1-based): chr4:127,965,210, T>A on the plus strand (A>T on the coding strand, the complement: MFSD8 is on the minus strand). VCF-style: chr4-127965210-T-A. GRCh37 (hg19) VCF-style: chr4-128886365-T-A.
Other names: c.-74+687A>T (NM_001410765.1, NM_001371590.2).
Identifiers: ClinVar variation 206142 (VCV000206142.5), dbSNP rs796052739, ClinGen allele CA315947.